The following is an entry in ClinVar:

NM_017617.5(NOTCH1):c.6986G>A (p.Ser2329Asn)

Gene: NOTCH1 (notch receptor 1; minus strand). Cytogenetic location: 9q34.3.
Variant type: single nucleotide variant.
Coding change: c.6986G>A on transcript NM_017617.5 (MANE Select); coding-DNA position 6986, G replaced by A.
Protein change: p.Ser2329Asn; replaces serine 2329 with asparagine.
Molecular consequence: missense variant.
Genome position (GRCh38, 1-based): chr9:136,496,753, C>T on the plus strand (G>A on the coding strand, the complement: NOTCH1 is on the minus strand). VCF-style: chr9-136496753-C-T. GRCh37 (hg19) VCF-style: chr9-139391205-C-T.
Other names: short protein forms S2329N.
Identifiers: ClinVar variation 4121645 (VCV004121645.1).

ClinVar aggregate classification (germline): Uncertain significance (1 of 4 stars; one submission).

Conditions:
Familial thoracic aortic aneurysm and aortic dissection (TAAD). Also called: Thoracic aortic aneurysms and dissections. Identifiers: Orphanet 91387, MedGen C4707243, MONDO:0019625.

Submission:

Ambry Genetics
Classification: Uncertain significance for Familial thoracic aortic aneurysm and aortic dissection. Last evaluated: 2025-06-28. Review status: criteria provided, single submitter. Criteria: Ambry Variant Classification Scheme 2023. Collection method: clinical testing. Allele origin: germline.
Comment: The p.S2329N variant (also known as c.6986G>A), located in coding exon 34 of the NOTCH1 gene, results from a G to A substitution at nucleotide position 6986. The serine at codon 2329 is replaced by asparagine, an amino acid with highly similar properties. This amino acid position is conserved. In addition, this alteration is predicted to be tolerated by in silico analysis. Based on the available evidence, the clinical significance of this variant remains unclear.